The following is an entry in ClinVar:

ClinVar aggregate classification (germline): Pathogenic. Review status: criteria provided, multiple submitters, no conflicts (2 of 4 stars). 2 submissions from 2 submitters: Pathogenic (2). Last evaluated 2024-05-14.

Conditions:
Isolated microphthalmia 2. Identifiers: Orphanet 2542, MedGen C1864720, MONDO:0012409, OMIM 610093.
Microphthalmia, isolated, with coloboma 3 (MCOPCB3). Also called: MICROPHTHALMIA/COLOBOMA 3; MICROPHTHALMIA, COLOBOMATOUS, 3. Identifiers: Orphanet 98938, MedGen C1864721, MONDO:0012408, OMIM 610092.

Submissions (2):

Myriad Genetics, Inc.
Classification: Pathogenic for Microphthalmia, isolated, with coloboma 3. Last evaluated: 2024-05-14. Review status: criteria provided, single submitter. Criteria: Myriad Autosomal Dominant, Autosomal Recessive and X-Linked Classification Criteria (2023). Collection method: clinical testing. Allele origin: unknown.
Comment: NM_182894.2(VSX2):c.249dupG(L84Afs*43) is expected to be pathogenic in the context of microphthalmia, anophthalmia, and coloboma, VSX2-related. This variant is predicted to lead to an abnormal or absent protein product due to the creation of a premature termination codon in VSX2, a gene where loss-of-function variants are known to be pathogenic. Please note: this variant was assessed in the context of healthy population screening.

Labcorp Genetics (formerly Invitae), Labcorp
Classification: Pathogenic for Isolated microphthalmia 2. Last evaluated: 2023-11-20. Review status: criteria provided, single submitter. Criteria: Invitae Variant Classification Sherloc (09022015). Collection method: clinical testing. Allele origin: germline.
Comment: This sequence change creates a premature translational stop signal (p.Leu84Alafs*43) in the VSX2 gene. It is expected to result in an absent or disrupted protein product. Loss-of-function variants in VSX2 are known to be pathogenic (PMID: 20414678). The frequency data for this variant in the population databases is considered unreliable, as metrics indicate poor data quality at this position in the gnomAD database. This variant has not been reported in the literature in individuals affected with VSX2-related conditions. For these reasons, this variant has been classified as Pathogenic.

Literature cited by the submitters: PubMed 20414678 (cited by Labcorp Genetics (formerly Invitae), Labcorp).

NM_182894.3(VSX2):c.249dup (p.Leu84fs)

Gene: VSX2 (visual system homeobox 2; plus strand). Cytogenetic location: 14q24.3.
Variant type: Duplication.
Coding change: c.249dup on transcript NM_182894.3 (MANE Select); coding-DNA position 249, one base duplicated (G; older notation c.249dupG).
Protein change: p.Leu84fs; shifts the reading frame from leucine 84.
Molecular consequence: frameshift variant.
Genome position (GRCh38, 1-based): chr14:74,239,810, G duplicated; the last of 6 consecutive G bases (chr14:74,239,805-74,239,810); duplicating any one gives the same sequence. VCF-style (leftmost placement, unchanged base first): chr14-74239804-C-CG. GRCh37 (hg19) VCF-style: chr14-74706507-C-CG.
Other names: short protein forms L84fs.
Identifiers: ClinVar variation 3000990 (VCV003000990.4), dbSNP rs1033708386, ClinGen allele CA263536923.